The following is an entry in ClinVar:

ClinVar aggregate classification (germline): Benign (1 of 4 stars; one submission).

Conditions:
Ceroid lipofuscinosis, neuronal, 4 (Kufs type) (CLN4). Also called: Neuronal ceroid lipofuscinosis 4B; Ceroid lipofuscinosis, neuronal, 4, Parry type. Identifiers: Orphanet 228343, Orphanet 79262, MedGen C1834207, MONDO:0008083, OMIM 162350.

Allele frequency attached by ClinVar (database versions not stated): gnomAD 0.00016; TOPMed 0.00020; 1000 Genomes Project 0.00040; 1000 Genomes Project 30x 0.00047.

Submission:

Illumina Laboratory Services, Illumina
Classification: Benign for Ceroid lipofuscinosis, neuronal, 4 (Kufs type). Last evaluated: 2018-01-13. Review status: criteria provided, single submitter. Criteria: ICSL Variant Classification Criteria 13 December 2019. Collection method: clinical testing. Allele origin: germline.
Comment: This variant was observed in the ICSL laboratory as part of a predisposition screen in an ostensibly healthy population. It had not been previously curated by ICSL or reported in the Human Gene Mutation Database (HGMD: prior to June 1st, 2018), and was therefore a candidate for classification through an automated scoring system. Utilizing variant allele frequency, disease prevalence and penetrance estimates, and inheritance mode, an automated score was calculated to assess if this variant is too frequent to cause the disease. Based on the score and internal cut-off values, a variant classified as benign is not then subjected to further curation. The score for this variant resulted in a classification of benign for this disease.

NM_025219.3(DNAJC5):c.*3432G>A

Gene: DNAJC5 (DnaJ heat shock protein family (Hsp40) member C5; plus strand). Cytogenetic location: 20q13.33.
Variant type: single nucleotide variant.
Coding change: c.*3432G>A on transcript NM_025219.3 (MANE Select); 3432 bases downstream of the stop codon, G replaced by A.
Molecular consequence: 3 prime UTR variant.
Genome position (GRCh38, 1-based): chr20:63,935,000, G>A. VCF-style: chr20-63935000-G-A. GRCh37 (hg19) VCF-style: chr20-62566353-G-A.
Identifiers: ClinVar variation 339428 (VCV000339428.6), dbSNP rs1051821, ClinGen allele CA10653416.